The following is an entry in ClinVar:

NM_022455.5(NSD1):c.4786T>A (p.Cys1596Ser)

Gene: NSD1 (nuclear receptor binding SET domain protein 1; plus strand). Cytogenetic location: 5q35.3.
Variant type: single nucleotide variant.
Coding change: c.4786T>A on transcript NM_022455.5 (MANE Select); coding-DNA position 4786, T replaced by A.
Protein change: p.Cys1596Ser; replaces cysteine 1596 with serine.
Molecular consequence: missense variant.
Genome position (GRCh38, 1-based): chr5:177,256,971, T>A. VCF-style: chr5-177256971-T-A. GRCh37 (hg19) VCF-style: chr5-176683972-T-A.
Other names: c.3913T>A, p.Cys1305Ser (NM_001365684.2, NM_001409308.1, NM_001409309.1 and 1 more transcripts); c.4786T>A, p.Cys1596Ser (NM_001409301.1, NM_001409302.1, NM_001409303.1); c.4366T>A, p.Cys1456Ser (NM_001409304.1); c.4033T>A, p.Cys1345Ser (NM_001409305.1); c.4024T>A, p.Cys1342Ser (NM_001409306.1, NM_001409307.1); short protein forms C1596S, C1327S, C1305S, C1345S, C1342S, C1456S.
Identifiers: ClinVar variation 449075 (VCV000449075.10), dbSNP rs1554199383, ClinGen allele CA362354849.
Genomic context (GRCh38, chr5:177,256,971, plus strand): 5'-TCTTGAATTCTTACTAATTTATCTTCTTTTGGCTTCTCAGGAATCCATACCTGTTTTGTA[T>A]GTAAGCAGAGTGGGGAAGATGTTAAAAGGTGCCTTCTACCCTTGTGTGGAAAGTTTTACC-3'
Protein context (NP_071900.2, residues 1586-1606): CRTGIHTCFV[Cys1596Ser]KQSGEDVKRC

ClinVar aggregate classification (germline): Conflicting classifications of pathogenicity. Review status: criteria provided, conflicting classifications (1 of 4 stars). 2 submissions from 2 submitters: Likely pathogenic (1); Uncertain significance (1). Last evaluated 2024-04-19.

Submissions (2):

GeneDx
Classification: Likely pathogenic. Last evaluated: 2024-04-19. Review status: criteria provided, single submitter. Criteria: GeneDx Variant Classification Process June 2021. Collection method: clinical testing. Allele origin: germline. Affected: yes.
Comment: Has not been previously published as pathogenic or benign to our knowledge; Not observed at significant frequency in large population cohorts (gnomAD); In silico analysis supports that this missense variant has a deleterious effect on protein structure/function; This variant is associated with the following publications: (PMID: 17565729, 36421837)

Labcorp Genetics (formerly Invitae), Labcorp
Classification: Uncertain significance. Last evaluated: 2021-01-11. Review status: criteria provided, single submitter. Criteria: Invitae Variant Classification Sherloc (09022015). Collection method: clinical testing. Allele origin: germline.
Comment: In summary, the available evidence is currently insufficient to determine the role of this variant in disease. Therefore, it has been classified as a Variant of Uncertain Significance. Algorithms developed to predict the effect of sequence changes on RNA splicing suggest that this variant may create or strengthen a splice site, but this prediction has not been confirmed by published transcriptional studies. Advanced modeling of protein sequence and biophysical properties (such as structural, functional, and spatial information, amino acid conservation, physicochemical variation, residue mobility, and thermodynamic stability) performed at Invitae indicates that this missense variant is expected to disrupt NSD1 protein function. This variant has not been reported in the literature in individuals with NSD1-related conditions. ClinVar contains an entry for this variant (Variation ID: 449075). This variant is not present in population databases (ExAC no frequency). This sequence change replaces cysteine with serine at codon 1596 of the NSD1 protein (p.Cys1596Ser). The cysteine residue is moderately conserved and there is a moderate physicochemical difference between cysteine and serine.